The following is an entry in ClinVar:

NM_001131016.2(CIZ1):c.1392G>T (p.Gln464His)

Gene: CIZ1 (CDKN1A interacting zinc finger protein 1; minus strand). Cytogenetic location: 9q34.11.
Variant type: single nucleotide variant.
Coding change: c.1392G>T on transcript NM_001131016.2 (MANE Select); coding-DNA position 1392, G replaced by T.
Protein change: p.Gln464His; replaces glutamine 464 with histidine.
Molecular consequence: missense variant.
Genome position (GRCh38, 1-based): chr9:128,178,815, C>A on the plus strand (G>T on the coding strand, the complement: CIZ1 is on the minus strand). VCF-style: chr9-128178815-C-A. GRCh37 (hg19) VCF-style: chr9-130941094-C-A.
Other names: c.1224G>T, p.Gln408His (NM_001131015.2); c.1209G>T, p.Gln403His (NM_001131017.2); c.1152G>T, p.Gln384His (NM_001131018.2); c.1482G>T, p.Gln494His (NM_001257975.2); c.1089G>T, p.Gln363His (NM_001257976.2); c.1392G>T, p.Gln464His (NM_012127.3); short protein forms Q363H, Q403H, Q464H, Q384H, Q494H, Q408H.
Identifiers: ClinVar variation 2402681 (VCV002402681.6), dbSNP rs149608864, ClinGen allele CA375026361.
Genomic context (GRCh38, chr9:128,178,815, plus strand): 5'-ATGAACCACAACTGGTGTTTGCTCTGGAGCCAGCAACGACACCTGCGGCTGGGTGTGAGG[C>A]TGCTCATGGGTCTGCTCTGGTGGCTGTACTGACACCTGCGCTGGAGGATGCTCCTGTGGC-3'
Protein context (NP_001124488.1, residues 454-474): SVQPPEQTHE[Gln464His]PHTQPQVSLL

ClinVar aggregate classification (germline): Uncertain significance. Review status: criteria provided, multiple submitters, no conflicts (2 of 4 stars). 2 submissions from 2 submitters: Uncertain significance (2). Last evaluated 2026-01-07.

Conditions:
Dystonic disorder. Also called: Dystonia. Identifiers: MedGen C0013421, MONDO:0003441, HP:0001332.

gnomAD v4.1: 8 of 1,614,144 alleles (0.0005%); highest among the groups gnomAD compares: Admixed American, 0.01%; no homozygotes.

Submissions (2):

Labcorp Genetics (formerly Invitae), Labcorp
Classification: Uncertain significance for Dystonic disorder. Last evaluated: 2026-01-07. Review status: criteria provided, single submitter. Criteria: Invitae Variant Classification Sherloc (09022015). Collection method: clinical testing. Allele origin: germline.
Comment: This sequence change replaces glutamine, which is neutral and polar, with histidine, which is basic and polar, at codon 464 of the CIZ1 protein (p.Gln464His). This variant is present in population databases (no rsID available, gnomAD 0.009%). This variant has not been reported in the literature in individuals affected with CIZ1-related conditions. ClinVar contains an entry for this variant (Variation ID: 2402681). An algorithm developed to predict the effect of missense changes on protein structure and function (PolyPhen-2) suggests that this variant is likely to be tolerated. In summary, the available evidence is currently insufficient to determine the role of this variant in disease. Therefore, it has been classified as a Variant of Uncertain Significance.

Ambry Genetics
Classification: Uncertain significance. Last evaluated: 2025-01-20. Review status: criteria provided, single submitter. Criteria: Ambry Variant Classification Scheme 2023. Collection method: clinical testing. Allele origin: germline.